The following is an entry in ClinVar:

ClinVar aggregate classification (germline): Likely pathogenic (1 of 4 stars; one submission).

Submission:

GeneDx
Classification: Likely pathogenic. Last evaluated: 2025-06-23. Review status: criteria provided, single submitter. Criteria: GeneDx Variant Classification Process June 2021. Collection method: clinical testing. Allele origin: germline.
Comment: Frameshift variant predicted to result in protein truncation or nonsense mediated decay in a gene for which loss of function is a known mechanism of disease; Has not been previously published as pathogenic or benign to our knowledge

NM_182641.4(BPTF):c.282dup (p.Arg95fs)

Gene: BPTF (bromodomain PHD finger transcription factor; plus strand). Cytogenetic location: 17q24.2.
Variant type: Duplication.
Coding change: c.282dup on transcript NM_182641.4 (MANE Select); coding-DNA position 282, one base duplicated (G; older notation c.282dupG).
Protein change: p.Arg95fs; shifts the reading frame from arginine 95.
Molecular consequence: frameshift variant.
Genome position (GRCh38, 1-based): chr17:67,826,006, G duplicated; the last of 8 consecutive G bases (chr17:67,825,999-67,826,006); duplicating any one gives the same sequence. VCF-style (leftmost placement, unchanged base first): chr17-67825998-C-CG. GRCh37 (hg19) VCF-style: chr17-65822114-C-CG.
Other names: c.282dup, p.Arg95fs (NM_004459.7); short protein forms R95fs.
Identifiers: ClinVar variation 3252820 (VCV003252820.2), dbSNP rs1438959480.